The following is an entry in ClinVar:

ClinVar aggregate classification (germline): Uncertain significance (1 of 4 stars; one submission).

Submission:

GeneDx
Classification: Uncertain significance. Last evaluated: 2025-03-14. Review status: criteria provided, single submitter. Criteria: GeneDx Variant Classification Process June 2021. Collection method: clinical testing. Allele origin: germline. Affected: yes.
Comment: Not observed at significant frequency in large population cohorts (gnomAD); In silico analysis supports a deleterious effect on protein structure/function; Has not been previously published as pathogenic or benign to our knowledge

NM_001199107.2(TBC1D24):c.1151_1152delinsAT (p.Phe384Tyr)

Gene: TBC1D24 (TBC1 domain family member 24; plus strand). Cytogenetic location: 16p13.3.
Variant type: Indel.
Coding change: c.1151_1152delinsAT on transcript NM_001199107.2 (MANE Select); coding-DNA positions 1151 to 1152, TC replaced by AT.
Protein change: p.Phe384Tyr; replaces phenylalanine 384 with tyrosine.
Molecular consequence: missense variant.
Genome position (GRCh38, 1-based): chr16:2,499,365-2,499,366, TC replaced by AT. VCF-style: chr16-2499365-TC-AT. GRCh37 (hg19) VCF-style: chr16-2549366-TC-AT.
Other names: c.1133_1134delinsAT, p.Phe378Tyr (NM_020705.3); short protein forms F378Y, F384Y.
Identifiers: ClinVar variation 4083341 (VCV004083341.1).